The following is an entry in ClinVar:

ClinVar aggregate classification (germline): Pathogenic. Review status: criteria provided, single submitter (1 of 4 stars). 2 submissions from 2 submitters: Pathogenic (1). 1 of the submissions does not count toward it. Last evaluated 2026-01-26.

Conditions:
Sphingolipid activator protein 1 deficiency. Also called: METACHROMATIC LEUKODYSTROPHY DUE TO CEREBROSIDE SULFATASE ACTIVATOR DEFICIENCY; Metachromatic leukodystrophy due to saposin B deficiency; Saposin B Deficiency. Identifiers: Orphanet 512, MedGen C0268262, MONDO:0009590, OMIM 249900.

Submissions (2):

Labcorp Genetics (formerly Invitae), Labcorp
Classification: Pathogenic for Sphingolipid activator protein 1 deficiency. Last evaluated: 2026-01-26. Review status: criteria provided, single submitter. Criteria: Invitae Variant Classification Sherloc (09022015). Collection method: clinical testing. Allele origin: germline.
Comment: This sequence change creates a premature translational stop signal (p.Asp272Glufs*29) in the PSAP gene. It is expected to result in an absent or disrupted protein product. Loss-of-function variants in PSAP are known to be pathogenic (PMID: 8554069, 11309366, 17616409, 19267410, 30632081). This variant is not present in population databases (gnomAD no frequency). This variant has not been reported in the literature in individuals affected with PSAP-related conditions. ClinVar contains an entry for this variant (Variation ID: 977281). For these reasons, this variant has been classified as Pathogenic.

Clinical Genomics Laboratory, Stanford Medicine
Classification: Likely pathogenic. Last evaluated: 2019-08-08. Review status: no assertion criteria provided. Collection method: clinical testing. Allele origin: germline. Inheritance: Autosomal recessive inheritance. Affected: yes. Not counted in ClinVar's aggregate classification.
Comment: The p.Asp272Glufs*29 variant in the PSAP gene has not been previously reported in association with disease. This variant has been identified in 1/16,256 African chromosomes by the Genome Aggregation Database.The p.Asp272Glufs*29 variant results in a 8bp deletion, which causes a shift in the protein reading frame, leading to a premature termination codon 29 amino acids downstream. Loss of function is an established mechanism of disease for the PSAP gene. These data were assessed using the ACMG/AMP variant interpretation guidelines. In summary, there is sufficient evidence to classify the p.Asp272Glufs*29 variant as likely pathogenic for saposin deficiencies in an autosomal recessive manner based on the information above. [ACMG evidence codes used: PVS1; PM2]

Literature cited by the submitters: PubMed 8554069 (cited by Labcorp Genetics (formerly Invitae), Labcorp); PubMed 11309366 (cited by Labcorp Genetics (formerly Invitae), Labcorp); PubMed 17616409 (cited by Labcorp Genetics (formerly Invitae), Labcorp); PubMed 19267410 (cited by Labcorp Genetics (formerly Invitae), Labcorp); PubMed 30632081 (cited by Labcorp Genetics (formerly Invitae), Labcorp).

NM_002778.4(PSAP):c.816_823del (p.Asp272fs)

Gene: PSAP (prosaposin; minus strand). Cytogenetic location: 10q22.1.
Variant type: Deletion.
Coding change: c.816_823del on transcript NM_002778.4 (MANE Select); coding-DNA positions 816 to 823, 8 bases deleted (TGAGGTGA; older notation c.816_823delTGAGGTGA).
Protein change: p.Asp272fs; shifts the reading frame from aspartic acid 272.
Molecular consequence: frameshift variant.
Genome position (GRCh38, 1-based): chr10:71,821,962-71,821,969, TCACCTCA deleted on the plus strand (TGAGGTGA on the coding strand, the reverse complement: PSAP is on the minus strand); deleting any 8 consecutive bases within chr10:71,821,962-71,821,973 gives the same sequence; the c. name uses the placement nearest the transcript's 3' end. VCF-style (leftmost placement, unchanged base first): chr10-71821961-TTCACCTCA-T. GRCh37 (hg19) VCF-style: chr10-73581718-TTCACCTCA-T.
Other names: c.825_832del, p.Asp275fs (NM_001042465.3); c.822_829del, p.Asp274fs (NM_001042466.3); short protein forms D272fs, D274fs, D275fs.
Identifiers: ClinVar variation 977281 (VCV000977281.6), dbSNP rs1244889985, ClinGen allele CA377147819.
Genomic context (GRCh38, chr10:71,821,961, plus strand): 5'-GCAGGGATGACATTCTTGGAGGCCACTTTGGCGGGGACCAGAGTCTGCATGGGCATCTCT[TTCACCTCA>T]TCACAGAACCCAACCAGCGCACAGATCTCCTTGGGTTGCTGAAGAGAGCACAGAACAACC-3'